The following is an entry in ClinVar:

ClinVar aggregate classification (germline): Uncertain significance (1 of 4 stars; one submission).

Conditions:
Long QT syndrome (LQTS). Identifiers: MedGen C0023976, MeSH D008133, MONDO:0002442. Disease mechanism: loss of function. Inheritance: Various modes of inheritance.

Submission:

Labcorp Genetics (formerly Invitae), Labcorp
Classification: Uncertain significance for Long QT syndrome. Last evaluated: 2026-01-12. Review status: criteria provided, single submitter. Criteria: Invitae Variant Classification Sherloc (09022015). Collection method: clinical testing. Allele origin: germline.
Comment: This sequence change replaces glutamine, which is neutral and polar, with proline, which is neutral and non-polar, at codon 682 of the AKAP9 protein (p.Gln682Pro). This variant is not present in population databases (gnomAD no frequency). This variant has not been reported in the literature in individuals affected with AKAP9-related conditions. An algorithm developed to predict the effect of missense changes on protein structure and function (PolyPhen-2) suggests that this variant is likely to be disruptive. In summary, the available evidence is currently insufficient to determine the role of this variant in disease. Therefore, it has been classified as a Variant of Uncertain Significance.

NM_005751.5(AKAP9):c.2045A>C (p.Gln682Pro)

Gene: AKAP9 (A-kinase anchoring protein 9; plus strand). Cytogenetic location: 7q21.2.
Variant type: single nucleotide variant.
Coding change: c.2045A>C on transcript NM_005751.5 (MANE Select); coding-DNA position 2045, A replaced by C.
Protein change: p.Gln682Pro; replaces glutamine 682 with proline.
Molecular consequence: missense variant.
Genome position (GRCh38, 1-based): chr7:92,001,962, A>C. VCF-style: chr7-92001962-A-C. GRCh37 (hg19) VCF-style: chr7-91631276-A-C.
Other names: c.2045A>C, p.Gln682Pro (NM_147185.3); short protein forms Q682P.
Identifiers: ClinVar variation 4810731 (VCV004810731.1).
Genomic context (GRCh38, chr7:92,001,962, plus strand): 5'-ACTATAAACAGCAGATAGATGGTTTACAGAATGAAATGAGTCAAAAGATAGAAACCATGC[A>C]GTTTGAAAAGGACAATTTGATAACTAAGCAGAATCAATTAATTTTGGAAATTTCAAAGCT-3'
Protein context (NP_005742.4, residues 672-692): NEMSQKIETM[Gln682Pro]FEKDNLITKQ